The following is an entry in ClinVar:

ClinVar aggregate classification (germline): Benign. Review status: criteria provided, multiple submitters, no conflicts (2 of 4 stars). 13 submissions from 13 submitters: Benign (8). 5 of the submissions do not count toward it. Last evaluated 2026-02-04.

Conditions:
Hereditary insensitivity to pain with anhidrosis (CIPA). Also called: HSAN Type IV; NTRK1 Congenital Insensitivity to Pain with Anhidrosis; hereditary sensory and autonomic neuropathy type 4; FAMILIAL DYSAUTONOMIA, TYPE II; NEUROPATHY, CONGENITAL SENSORY, WITH ANHIDROSIS; INSENSITIVITY TO PAIN, CONGENITAL, WITH ANHIDROSIS. Identifiers: Orphanet 642, MedGen C0020074, MONDO:0009746, OMIM 256800.

Allele frequency attached by ClinVar (database versions not stated): 1000 Genomes Project 0.33407; 1000 Genomes Project 30x 0.33635; TOPMed 0.51176; gnomAD 0.53140 and 0.53946; ESP Exome Variant Server 0.55683; ExAC 0.57236; gnomAD exomes 0.57793.
gnomAD v4.1: 1,055,962 of 1,613,480 alleles (65%); highest among the groups gnomAD compares: Non-Finnish European, 73%; 369,340 homozygotes.

Submissions (13):

Labcorp Genetics (formerly Invitae), Labcorp
Classification: Benign for Hereditary insensitivity to pain with anhidrosis. Last evaluated: 2026-02-04. Review status: criteria provided, single submitter. Criteria: Invitae Variant Classification Sherloc (09022015). Collection method: clinical testing. Allele origin: germline.

Blueprint Genetics
Classification: Benign. Last evaluated: 2024-11-26. Review status: criteria provided, single submitter. Criteria: ACMG Guidelines, 2015. Collection method: clinical testing. Allele origin: germline.

KCCC/NGS Laboratory, Kuwait Cancer Control Center
Classification: Benign for Hereditary insensitivity to pain with anhidrosis. Last evaluated: 2023-07-07. Review status: criteria provided, single submitter. Criteria: ACMG Guidelines, 2015. Collection method: clinical testing. Allele origin: germline. Affected: yes.

Genome-Nilou Lab
Classification: Benign for Hereditary insensitivity to pain with anhidrosis. Last evaluated: 2021-07-01. Review status: criteria provided, single submitter. Criteria: ACMG Guidelines, 2015. Collection method: clinical testing. Allele origin: germline. Affected: no.

Illumina Laboratory Services, Illumina
Classification: Benign for Hereditary insensitivity to pain with anhidrosis. Last evaluated: 2018-01-13. Review status: criteria provided, single submitter. Criteria: ICSL Variant Classification Criteria 13 December 2019. Collection method: clinical testing. Allele origin: germline.
Comment: This variant was observed in the ICSL laboratory as part of a predisposition screen in an ostensibly healthy population. It had not been previously curated by ICSL or reported in the Human Gene Mutation Database (HGMD: prior to June 1st, 2018), and was therefore a candidate for classification through an automated scoring system. Utilizing variant allele frequency, disease prevalence and penetrance estimates, and inheritance mode, an automated score was calculated to assess if this variant is too frequent to cause the disease. Based on the score and internal cut-off values, a variant classified as benign is not then subjected to further curation. The score for this variant resulted in a classification of benign for this disease.

Athena Diagnostics
Classification: Benign. Last evaluated: 2017-07-28. Review status: criteria provided, single submitter. Criteria: Athena Diagnostics Criteria. Collection method: clinical testing. Allele origin: germline.

Mayo Clinic Laboratories, Mayo Clinic
Classification: Benign. Last evaluated: 2015-08-27. Review status: criteria provided, single submitter. Criteria: ACMG Guidelines, 2015. Collection method: clinical testing. Allele origin: germline. Observed: 1,408 variant alleles.

Breakthrough Genomics
Classification: Benign. Review status: criteria provided, single submitter. Criteria: ACMG Guidelines, 2015. Collection method: not provided. Allele origin: germline. Inheritance: Autosomal recessive inheritance. Affected: yes.

Natera, Inc.
Classification: Benign for Hereditary insensitivity to pain with anhidrosis. Last evaluated: 2020-09-16. Review status: no assertion criteria provided. Collection method: clinical testing. Allele origin: germline. Not counted in ClinVar's aggregate classification.

Clinical Genetics, Academic Medical Center
Classification: Benign. Review status: no assertion criteria provided. Collection method: clinical testing. Allele origin: germline. Affected: yes. Study: VKGL Data-share Consensus. Not counted in ClinVar's aggregate classification.

Diagnostic Laboratory, Department of Genetics, University Medical Center Groningen
Classification: Benign. Review status: no assertion criteria provided. Collection method: clinical testing. Allele origin: germline. Affected: yes. Study: VKGL Data-share Consensus. Not counted in ClinVar's aggregate classification.

Inherited Neuropathy Consortium
Classification: Uncertain significance. Review status: no assertion criteria provided. Collection method: literature only. Allele origin: germline. Affected: yes. Not counted in ClinVar's aggregate classification.

Joint Genome Diagnostic Labs from Nijmegen and Maastricht, Radboudumc and MUMC+
Classification: Benign. Review status: no assertion criteria provided. Collection method: clinical testing. Allele origin: germline. Affected: yes. Study: VKGL Data-share Consensus. Not counted in ClinVar's aggregate classification.

Literature cited by the submitters: PubMed 16373086 (cited by Inherited Neuropathy Consortium).

NM_002529.4(NTRK1):c.1887C>T (p.Ala629=)

Gene: NTRK1 (neurotrophic receptor tyrosine kinase 1; plus strand). Cytogenetic location: 1q23.1.
Variant type: single nucleotide variant.
Coding change: c.1887C>T on transcript NM_002529.4 (MANE Select); coding-DNA position 1887, C replaced by T.
Protein change: p.Ala629=; no amino-acid change (alanine 629 retained).
Molecular consequence: synonymous variant.
Genome position (GRCh38, 1-based): chr1:156,879,203, C>T. VCF-style: chr1-156879203-C-T. GRCh37 (hg19) VCF-style: chr1-156848995-C-T.
Other names: p.Ala623=; c.1779C>T, p.Ala593= (NM_001007792.1); c.1869C>T, p.Ala623= (NM_001012331.2).
Identifiers: ClinVar variation 138564 (VCV000138564.29), dbSNP rs6337, ClinGen allele CA292613.